The following is an entry in ClinVar:

NM_001394062.1(MACF1):c.12340G>A (p.Glu4114Lys)

Gene: MACF1 (microtubule actin crosslinking factor 1; plus strand). Cytogenetic location: 1p34.3.
Variant type: single nucleotide variant.
Coding change: c.12340G>A on transcript NM_001394062.1 (MANE Select); coding-DNA position 12340, G replaced by A.
Protein change: p.Glu4114Lys; replaces glutamic acid 4114 with lysine.
Molecular consequence: missense variant.
Genome position (GRCh38, 1-based): chr1:39,360,888, G>A. VCF-style: chr1-39360888-G-A. GRCh37 (hg19) VCF-style: chr1-39826560-G-A.
Other names: c.6154G>A, p.Glu2052Lys (NM_012090.5); short protein forms E2052K, E4114K.
Identifiers: ClinVar variation 2628530 (VCV002628530.1), dbSNP rs1648130612, ClinGen allele CA339823326.

ClinVar aggregate classification (germline): Uncertain significance (1 of 4 stars; one submission).

Conditions:
MACF1-related disorder. Also called: MACF1-related condition.

Allele frequency attached by ClinVar (database versions not stated): gnomAD exomes below 0.00001.
gnomAD v4.1: 2 of 1,613,974 alleles (0.00012%); highest among the groups gnomAD compares: Admixed American, 0.0033%; no homozygotes.

Submission:

PreventionGenetics, part of Exact Sciences
Classification: Uncertain significance for MACF1-related condition. Last evaluated: 2023-09-25. Review status: criteria provided, single submitter. Criteria: ACMG Guidelines, 2015. Collection method: clinical testing. Allele origin: germline.
Comment: The MACF1 c.6154G>A variant is predicted to result in the amino acid substitution p.Glu2052Lys. To our knowledge, this variant has not been reported in the literature or in a large population database, indicating this variant is rare. At this time, the clinical significance of this variant is uncertain due to the absence of conclusive functional and genetic evidence.